The following is an entry in ClinVar:

ClinVar aggregate classification (germline): Uncertain significance (1 of 4 stars; one submission).

Submission:

GeneDx
Classification: Uncertain significance. Last evaluated: 2024-04-09. Review status: criteria provided, single submitter. Criteria: GeneDx Variant Classification Process June 2021. Collection method: clinical testing. Allele origin: germline. Affected: yes.
Comment: Not observed at significant frequency in large population cohorts (gnomAD); In silico analysis supports that this missense variant has a deleterious effect on protein structure/function; Has not been previously published as pathogenic or benign to our knowledge

NM_032638.5(GATA2):c.1136T>C (p.Leu379Pro)

Gene: GATA2 (GATA binding protein 2; minus strand). Cytogenetic location: 3q21.3.
Variant type: single nucleotide variant.
Coding change: c.1136T>C on transcript NM_032638.5 (MANE Select); coding-DNA position 1136, T replaced by C.
Protein change: p.Leu379Pro; replaces leucine 379 with proline.
Molecular consequence: missense variant.
Genome position (GRCh38, 1-based): chr3:128,481,826, A>G on the plus strand (T>C on the coding strand, the complement: GATA2 is on the minus strand). VCF-style: chr3-128481826-A-G. GRCh37 (hg19) VCF-style: chr3-128200669-A-G.
Other names: c.1136T>C, p.Leu379Pro (NM_001145661.2); c.1094T>C, p.Leu365Pro (NM_001145662.1); short protein forms L365P, L379P.
Identifiers: ClinVar variation 3372308 (VCV003372308.1).